The following is an entry in ClinVar:

NM_033380.3(COL4A5):c.1913G>C (p.Gly638Ala)

Gene: COL4A5 (collagen type IV alpha 5 chain; plus strand). Cytogenetic location: Xq22.3.
Variant type: single nucleotide variant.
Coding change: c.1913G>C on transcript NM_033380.3 (MANE Select); coding-DNA position 1913, G replaced by C.
Protein change: p.Gly638Ala; replaces glycine 638 with alanine.
Molecular consequence: missense variant.
Genome position (GRCh38, 1-based): chrX:108,598,835, G>C. VCF-style: chrX-108598835-G-C. GRCh37 (hg19) VCF-style: chrX-107842065-G-C.
Other names: c.1913G>C, p.Gly638Ala (NM_000495.5); c.1913G>C (NM_000495.4); short protein forms G638A.
Identifiers: ClinVar variation 3346167 (VCV003346167.1), dbSNP rs104886134.

ClinVar aggregate classification (germline): Pathogenic (0 of 4 stars; one submission).

Conditions:
COL4A5-related disorder. Also called: COL4A5-related condition.

Submission:

PreventionGenetics, part of Exact Sciences
Classification: Pathogenic for COL4A5-related condition. Last evaluated: 2024-06-08. Review status: no assertion criteria provided. Collection method: clinical testing. Allele origin: germline.
Comment: The COL4A5 c.1913G>C variant is predicted to result in the amino acid substitution p.Gly638Ala. This variant was reported in an individual with Alport syndrome (Boye et al. 1995. PubMed ID: 7599631). Alternative variants at the same codon p.Gly638Val and p.Gly638Ser were also reported in individuals with Alport syndrome (Boye et al. 1995. PubMed ID: 7599631; Table S2, Andrea Domingo-Gallego et al. 2022. PubMed ID: 33532864). This variant has not been reported in a large population database. The p.Gly638Ala residue is located in the triple-helical region (residues 42 – 1456) of the COL4A5 protein. The majority of pathogenic variants in COL4A5 substitute a glycine residue to a bulkier amino acid in the triple-helical domain (Hudson et al. 1993. PubMed ID: 8253711). Taken together, we interpret this variant as pathogenic.